The following is an entry in ClinVar:

ClinVar aggregate classification (germline): Uncertain significance (1 of 4 stars; one submission).

Submission:

Labcorp Genetics (formerly Invitae), Labcorp
Classification: Uncertain significance. Last evaluated: 2024-03-02. Review status: criteria provided, single submitter. Criteria: Invitae Variant Classification Sherloc (09022015). Collection method: clinical testing. Allele origin: germline.
Comment: This sequence change replaces asparagine, which is neutral and polar, with serine, which is neutral and polar, at codon 191 of the RORB protein (p.Asn191Ser). This variant is not present in population databases (gnomAD no frequency). This variant has not been reported in the literature in individuals affected with RORB-related conditions. An algorithm developed to predict the effect of missense changes on protein structure and function (PolyPhen-2) suggests that this variant is likely to be tolerated. In summary, the available evidence is currently insufficient to determine the role of this variant in disease. Therefore, it has been classified as a Variant of Uncertain Significance.

NM_006914.4(RORB):c.572A>G (p.Asn191Ser)

Gene: RORB (RAR related orphan receptor B; plus strand). Cytogenetic location: 9q21.13.
Variant type: single nucleotide variant.
Coding change: c.572A>G on transcript NM_006914.4 (MANE Select); coding-DNA position 572, A replaced by G.
Protein change: p.Asn191Ser; replaces asparagine 191 with serine.
Molecular consequence: missense variant.
Genome position (GRCh38, 1-based): chr9:74,642,750, A>G. VCF-style: chr9-74642750-A-G. GRCh37 (hg19) VCF-style: chr9-77257666-A-G.
Other names: c.605A>G, p.Asn202Ser (NM_001365023.1); short protein forms N191S, N202S.
Identifiers: ClinVar variation 3688498 (VCV003688498.2).